The following is an entry in ClinVar:

NM_000138.5(FBN1):c.2678-1G>T

Gene: FBN1 (fibrillin 1; minus strand). Cytogenetic location: 15q21.1.
Variant type: single nucleotide variant.
Coding change: c.2678-1G>T on transcript NM_000138.5 (MANE Select); the canonical splice acceptor site of the intron before coding-DNA position 2678, G replaced by T.
Molecular consequence: splice acceptor variant.
Genome position (GRCh38, 1-based): chr15:48,494,255, C>A on the plus strand (G>T on the coding strand, the complement: FBN1 is on the minus strand). VCF-style: chr15-48494255-C-A. GRCh37 (hg19) VCF-style: chr15-48786452-C-A.
Other names: c.2678-1G>T (NM_001406716.1).
Identifiers: ClinVar variation 2952200 (VCV002952200.3), dbSNP rs2505568808, ClinGen allele CA392331756.

ClinVar aggregate classification (germline): Pathogenic (1 of 4 stars; one submission).

Conditions:
Marfan syndrome (MFS). Also called: MARFAN SYNDROME, TYPE I; Marfan syndrome type 1; Marfan's syndrome; Marfan syndrome, classic; FBN1-Related Marfan Syndrome. Identifiers: Orphanet 284963, Orphanet 558, MedGen C0024796, MONDO:0007947, OMIM 154700.
Familial thoracic aortic aneurysm and aortic dissection (TAAD). Also called: Thoracic aortic aneurysms and dissections. Identifiers: Orphanet 91387, MedGen C4707243, MONDO:0019625.

Submission:

Labcorp Genetics (formerly Invitae), Labcorp
Classification: Pathogenic for Marfan syndrome; Familial thoracic aortic aneurysm and aortic dissection. Last evaluated: 2023-09-23. Review status: criteria provided, single submitter. Criteria: Invitae Variant Classification Sherloc (09022015). Collection method: clinical testing. Allele origin: germline.
Comment: This sequence change affects an acceptor splice site in intron 22 of the FBN1 gene. It is expected to disrupt RNA splicing. Variants that disrupt the donor or acceptor splice site typically lead to a loss of protein function (PMID: 16199547), and loss-of-function variants in FBN1 are known to be pathogenic (PMID: 17657824, 19293843). This variant is not present in population databases (gnomAD no frequency). Disruption of this splice site has been observed in individuals with clinical features of Marfan syndrome (PMID: 33414558; Invitae). Algorithms developed to predict the effect of sequence changes on RNA splicing suggest that this variant may disrupt the consensus splice site. For these reasons, this variant has been classified as Pathogenic.

Literature cited by the submitters: PubMed 16199547; PubMed 17657824; PubMed 19293843; PubMed 33414558.